The following is an entry in ClinVar:

NM_001122769.3(LCA5):c.1125G>C (p.Arg375Ser)

Gene: LCA5 (lebercilin LCA5; minus strand). Cytogenetic location: 6q14.1.
Variant type: single nucleotide variant.
Coding change: c.1125G>C on transcript NM_001122769.3 (MANE Select); coding-DNA position 1125, G replaced by C.
Protein change: p.Arg375Ser; replaces arginine 375 with serine.
Molecular consequence: missense variant.
Genome position (GRCh38, 1-based): chr6:79,489,190, C>G on the plus strand (G>C on the coding strand, the complement: LCA5 is on the minus strand). VCF-style: chr6-79489190-C-G. GRCh37 (hg19) VCF-style: chr6-80198907-C-G.
Other names: c.1125G>C, p.Arg375Ser (NM_181714.4); c.1125G>C (NM_181714.3); short protein forms R375S.
Identifiers: ClinVar variation 1447138 (VCV001447138.4), dbSNP rs1327131277, ClinGen allele CA364642708.
Genomic context (GRCh38, chr6:79,489,190, plus strand): 5'-ATCTGTAACAAATTTTTCTTCTCTTTCCATAATTGGGTTTAGAATCCCTGCTTCTCCATG[C>G]CTGTCTTGCTTTTGAGATTGCAAGTCCTATTATACGTTAAAAAAAATGCAAGTTCACAAA-3'
Protein context (NP_001116241.1, residues 365-385): TLDLQSQKQD[Arg375Ser]HGEAGILNPI

ClinVar aggregate classification (germline): Uncertain significance. Review status: criteria provided, multiple submitters, no conflicts (2 of 4 stars). 2 submissions from 2 submitters: Uncertain significance (2). Last evaluated 2025-04-07.

Conditions:
Inborn genetic diseases. Identifiers: MedGen C0950123, MeSH D030342.

Allele frequency attached by ClinVar (database versions not stated): TOPMed below 0.00001.

Submissions (2):

Ambry Genetics
Classification: Uncertain significance for Inborn genetic diseases. Last evaluated: 2025-04-07. Review status: criteria provided, single submitter. Criteria: Ambry Variant Classification Scheme 2023. Collection method: clinical testing. Allele origin: germline.

Labcorp Genetics (formerly Invitae), Labcorp
Classification: Uncertain significance. Last evaluated: 2021-11-02. Review status: criteria provided, single submitter. Criteria: Invitae Variant Classification Sherloc (09022015). Collection method: clinical testing. Allele origin: germline.
Comment: This sequence change replaces arginine, which is basic and polar, with serine, which is neutral and polar, at codon 375 of the LCA5 protein (p.Arg375Ser). This variant is not present in population databases (gnomAD no frequency). This variant has not been reported in the literature in individuals affected with LCA5-related conditions. Algorithms developed to predict the effect of missense changes on protein structure and function output the following: SIFT: "Tolerated"; PolyPhen-2: "Benign"; Align-GVGD: "Class C0". The serine amino acid residue is found in multiple mammalian species, which suggests that this missense change does not adversely affect protein function. In summary, the available evidence is currently insufficient to determine the role of this variant in disease. Therefore, it has been classified as a Variant of Uncertain Significance.